The following is an entry in ClinVar:

NM_001042492.3(NF1):c.1186-1G>C

Gene: NF1 (neurofibromin 1; plus strand). Cytogenetic location: 17q11.2.
Variant type: single nucleotide variant.
Coding change: c.1186-1G>C on transcript NM_001042492.3 (MANE Select); the canonical splice acceptor site of the intron before coding-DNA position 1186, G replaced by C.
Molecular consequence: splice acceptor variant.
Genome position (GRCh38, 1-based): chr17:31,201,410, G>C. VCF-style: chr17-31201410-G-C. GRCh37 (hg19) VCF-style: chr17-29528428-G-C.
Other names: c.1186-1G>C (NM_000267.4, NM_001128147.3).
Identifiers: ClinVar variation 457521 (VCV000457521.11), dbSNP rs876660782, ClinGen allele CA398997403.

ClinVar aggregate classification (germline): Pathogenic/Likely pathogenic. Review status: criteria provided, multiple submitters, no conflicts (2 of 4 stars). 4 submissions from 4 submitters: Pathogenic (2); Likely pathogenic (2). Last evaluated 2024-12-03.

Conditions:
Neurofibromatosis, type 1 (NF1). Also called: Neurofibromatosis, type I; Peripheral type neurofibromatosis; VON RECKLINGHAUSEN DISEASE; NEUROFIBROMATOSIS, TYPE I, SOMATIC. Identifiers: Orphanet 636, MedGen C0027831, MONDO:0018975, OMIM 162200. Disease mechanism: loss of function.
Juvenile myelomonocytic leukemia (JMML). Also called: LEUKEMIA, JUVENILE MYELOMONOCYTIC, SOMATIC. Identifiers: Orphanet 86834, MedGen C0349639, MONDO:0011908, OMIM 607785, HP:0012209.
Café-au-lait macules with pulmonary stenosis (WTSN). Also called: PULMONIC STENOSIS WITH CAFE-AU-LAIT SPOTS. Identifiers: MedGen C0553586, MONDO:0008672, OMIM 193520.
Neurofibromatosis, familial spinal (FSNF). Identifiers: Orphanet 636, MedGen C1834235, MONDO:0008078, OMIM 162210. Disease mechanism: loss of function.
Neurofibromatosis-Noonan syndrome (NFNS). Also called: NEUROFIBROMATOSIS WITH NOONAN PHENOTYPE. Identifiers: Orphanet 638, MedGen C2931482, MONDO:0011035, OMIM 601321. Disease mechanism: loss of function.

Submissions (4):

Institute of Human Genetics, University of Leipzig Medical Center
Classification: Likely pathogenic for Neurofibromatosis, type 1. Last evaluated: 2024-12-03. Review status: criteria provided, single submitter. Criteria: ACMG Guidelines, 2015. Collection method: clinical testing. Allele origin: unknown. Inheritance: Autosomal dominant inheritance. Affected: yes.
Comment: Criteria applied: PVS1_MOD, PS1_SUP, PS4_MOD, PM2_SUP, PP4

Labcorp Genetics (formerly Invitae), Labcorp
Classification: Pathogenic for Neurofibromatosis, type 1. Last evaluated: 2024-03-04. Review status: criteria provided, single submitter. Criteria: Invitae Variant Classification Sherloc (09022015). Collection method: clinical testing. Allele origin: germline.
Comment: This sequence change affects an acceptor splice site in intron 10 of the NF1 gene. RNA analysis indicates that disruption of this splice site induces altered splicing and likely results in the loss of 5 amino acid residue(s), but is expected to preserve the integrity of the reading-frame. This variant is not present in population databases (gnomAD no frequency). Disruption of this splice site has been observed in individual(s) with clinical features of neurofibromatosis type 1 (PMID: 31766501, 33443663; Invitae). In at least one individual the variant was observed to be de novo. ClinVar contains an entry for this variant (Variation ID: 457521). Studies have shown that disruption of this splice site results in the activation of a cryptic splice site in 10 (PMID: 31766501). For these reasons, this variant has been classified as Pathogenic.

GeneDx
Classification: Pathogenic. Last evaluated: 2023-08-21. Review status: criteria provided, single submitter. Criteria: GeneDx Variant Classification Process June 2021. Collection method: clinical testing. Allele origin: germline.
Comment: Canonical splice site variant predicted to result in an in-frame loss of the adjacent exon in a gene for which loss of function is a known mechanism of disease; Not observed at significant frequency in large population cohorts (gnomAD); Deletions involving coding exons of this gene are a known mechanism of disease (HGMD); This variant is associated with the following publications: (PMID: 31766501, 33443663, 33877690)

Juno Genomics, Hangzhou Juno Genomics, Inc
Classification: Likely pathogenic for Juvenile myelomonocytic leukemia; Neurofibromatosis, familial spinal; Neurofibromatosis, type 1; Neurofibromatosis-Noonan syndrome; Café-au-lait macules with pulmonary stenosis. Review status: criteria provided, single submitter. Criteria: ACMG Guidelines, 2015. Collection method: clinical testing. Allele origin: germline. Affected: yes.
Comment: Null variant in a gene where loss of function (LOF) is a known mechanism of disease.;The prevalence of the variant in affected individuals is significantly increased compared to the prevalence in controls.;Absent from controls (or at extremely low frequency if recessive) in Genome Aggregation Database, Exome Sequencing Project, 1000 Genomes Project, or Exome Aggregation Consortium.;Patient's phenotype or family history is highly specific for a disease with a single genetic etiology.

Literature cited by the submitters: PubMed 31766501 (cited by Labcorp Genetics (formerly Invitae), Labcorp); PubMed 33443663 (cited by Labcorp Genetics (formerly Invitae), Labcorp).